The following is an entry in ClinVar:

NC_000023.10:g.(?_47058202)_(47074328_?)del

Genes: INE1 (inactivation escape 1; plus strand), UBA1 (ubiquitin like modifier activating enzyme 1; plus strand). Cytogenetic location: Xp11.23.
Variant type: Deletion.
Identifiers: ClinVar variation 2424674 (VCV002424674.3).

ClinVar aggregate classification (germline): Uncertain significance (1 of 4 stars; one submission).

Conditions:
Infantile-onset X-linked spinal muscular atrophy. Also called: ARTHROGRYPOSIS, X-LINKED, TYPE I; Spinal muscular atrophy, X-linked 2; AMC, DISTAL, X-LINKED; SPINAL MUSCULAR ATROPHY, X-LINKED LETHAL INFANTILE; Spinal Muscular Atrophy, X-Linked Infantile. Identifiers: Orphanet 1145, MedGen C1844934, MONDO:0010532, OMIM 301830.

Submission:

Labcorp Genetics (formerly Invitae), Labcorp
Classification: Uncertain significance for Infantile-onset X-linked spinal muscular atrophy. Last evaluated: 2022-07-03. Review status: criteria provided, single submitter. Criteria: Invitae Variant Classification Sherloc (09022015). Collection method: clinical testing. Allele origin: germline.
Comment: A gross deletion of the genomic region encompassing the full coding sequence of the UBA1 gene has been identified. The current clinical and genetic evidence is not sufficient to establish whether loss-of-function variants in UBA1 cause disease. The boundaries of this event are unknown as they extend beyond the assayed region for this gene and therefore may encompass additional genes. This variant has not been reported in the literature in individuals affected with UBA1-related conditions. In summary, the available evidence is currently insufficient to determine the role of this variant in disease. Therefore, it has been classified as a Variant of Uncertain Significance.